The following is an entry in ClinVar:

ClinVar aggregate classification (germline): Likely pathogenic (1 of 4 stars; one submission).

Conditions:
Complement component C1s deficiency. Also called: C1s deficiency; Complement 1s deficiency. Identifiers: MedGen C3151078, MONDO:0013419, OMIM 613783.

Submission:

3billion
Classification: Likely pathogenic for Complement component C1s deficiency. Last evaluated: 2022-09-01. Review status: criteria provided, single submitter. Criteria: ACMG Guidelines, 2015. Collection method: clinical testing. Allele origin: germline. Affected: yes. Observed: 1 homozygote.
Comment: The variant is not observed in the gnomAD v2.1.1 dataset. Frameshift variant is predicted to result in a loss or disruption of normal protein function through protein truncation. The predicted truncated protein may be shortened by more than 10%. Therefore, this variant is classified as Likely pathogenic according to the recommendation of ACMG/AMP guideline.

NM_001734.5(C1S):c.1729_1730del (p.Asp577fs)

Gene: C1S (complement C1s; plus strand). Cytogenetic location: 12p13.31.
Variant type: Microsatellite.
Coding change: c.1729_1730del on transcript NM_001734.5 (MANE Select); coding-DNA positions 1729 to 1730, 2 bases deleted (GA; older notation c.1729_1730delGA).
Protein change: p.Asp577fs; shifts the reading frame from aspartic acid 577.
Molecular consequence: frameshift variant.
Genome position (GRCh38, 1-based): chr12:7,070,313-7,070,314, GA deleted; deleting any 2 consecutive bases within chr12:7,070,308-7,070,314 gives the same sequence; the c. name uses the placement nearest the transcript's 3' end. VCF-style (leftmost placement, unchanged base first): chr12-7070307-AAG-A. GRCh37 (hg19) VCF-style: chr12-7177611-AAG-A.
Other names: c.1228_1229del, p.Asp410fs (NM_001346850.2); c.1729_1730del, p.Asp577fs (NM_201442.4); short protein forms D410fs, D577fs.
Identifiers: ClinVar variation 1705563 (VCV001705563.1), dbSNP rs2539608457, ClinGen allele CA2580615131.
Genomic context (GRCh38, chr12:7,070,307, plus strand): 5'-TCCGACTACAACCTCATGGATGGGGACCTGGGACTGATCTCAGGCTGGGGCCGAACAGAG[AAG>A]AGAGATCGTGCTGTTCGCCTCAAGGCGGCAAGGTTACCTGTAGCTCCTTTAAGAAAATGC-3'